The following is an entry in ClinVar:

NM_133443.4(GPT2):c.1301C>T (p.Pro434Leu)

Gene: GPT2 (glutamic--pyruvic transaminase 2; plus strand). Cytogenetic location: 16q11.2.
Variant type: single nucleotide variant.
Coding change: c.1301C>T on transcript NM_133443.4 (MANE Select); coding-DNA position 1301, C replaced by T.
Protein change: p.Pro434Leu; replaces proline 434 with leucine.
Molecular consequence: missense variant.
Genome position (GRCh38, 1-based): chr16:46,924,477, C>T. VCF-style: chr16-46924477-C-T. GRCh37 (hg19) VCF-style: chr16-46958389-C-T.
Other names: c.1001C>T, p.Pro334Leu (NM_001142466.3); short protein forms P334L, P434L.
Identifiers: ClinVar variation 4755643 (VCV004755643.2).

ClinVar aggregate classification (germline): Uncertain significance (1 of 4 stars; one submission).

gnomAD v4.1: 133 of 1,614,182 alleles (0.0082%); highest among the groups gnomAD compares: African/African-American, 0.1%; no homozygotes.

Submission:

GeneDx
Classification: Uncertain significance. Last evaluated: 2026-04-17. Review status: criteria provided, single submitter. Criteria: GeneDx Variant Classification Process June 2021. Collection method: clinical testing. Allele origin: germline.
Comment: In silico analysis supports that this missense variant has a deleterious effect on protein structure/function; Has not been previously published as pathogenic or benign to our knowledge